The following is an entry in ClinVar:

ClinVar aggregate classification (germline): Pathogenic (1 of 4 stars; one submission).

Conditions:
Fraser syndrome 2 (FRASRS2). Identifiers: MedGen C4540036, MONDO:0054738, OMIM 617666.

Submission:

Service de Biochimie Médicale et Biologie Moléculaire, CHU Clermont-Ferrand
Classification: Pathogenic for Fraser syndrome 2. Last evaluated: 2018-09-14. Review status: criteria provided, single submitter. Criteria: ACMG Guidelines, 2015. Collection method: clinical testing. Allele origin: inherited. Inheritance: Autosomal recessive inheritance. Affected: yes.
Comment: This variant in homozygous state or compound heterozygous state induced Fraser syndrome phenotype

NM_207361.6(FREM2):c.1930C>T (p.Gln644Ter)

Gene: FREM2 (FRAS1 related extracellular matrix 2; plus strand). Cytogenetic location: 13q13.3.
Variant type: single nucleotide variant.
Coding change: c.1930C>T on transcript NM_207361.6 (MANE Select); coding-DNA position 1930, C replaced by T.
Protein change: p.Gln644Ter; replaces glutamine 644 with a stop codon.
Molecular consequence: nonsense.
Genome position (GRCh38, 1-based): chr13:38,689,274, C>T. VCF-style: chr13-38689274-C-T. GRCh37 (hg19) VCF-style: chr13-39263411-C-T.
Other names: short protein forms Q644*.
Identifiers: ClinVar variation 916648 (VCV000916648.1), dbSNP rs1869683236, ClinGen allele CA387887751.